The following is an entry in ClinVar:

ClinVar aggregate classification (germline): Uncertain significance. Review status: criteria provided, multiple submitters, no conflicts (2 of 4 stars). 2 submissions from 2 submitters: Uncertain significance (2). Last evaluated 2024-02-21.

Conditions:
Inborn genetic diseases. Identifiers: MedGen C0950123, MeSH D030342.

Allele frequency attached by ClinVar (database versions not stated): gnomAD exomes below 0.00001; TOPMed 0.00001.

Submissions (2):

Ambry Genetics
Classification: Uncertain significance for Inborn genetic diseases. Last evaluated: 2024-02-21. Review status: criteria provided, single submitter. Criteria: Ambry Variant Classification Scheme 2023. Collection method: clinical testing. Allele origin: germline.

GeneDx
Classification: Uncertain significance. Last evaluated: 2019-08-23. Review status: criteria provided, single submitter. Criteria: GeneDx Variant Classification Process June 2021. Collection method: clinical testing. Allele origin: germline. Affected: yes.
Comment: Not observed in large population cohorts (Lek et al., 2016); In silico analysis, which includes protein predictors and evolutionary conservation, supports a deleterious effect; Has not been previously published as pathogenic or benign to our knowledge

NM_002025.4(AFF2):c.1487C>T (p.Ser496Leu)

Gene: AFF2 (ALF transcription elongation factor 2; plus strand). Cytogenetic location: Xq28.
Variant type: single nucleotide variant.
Coding change: c.1487C>T on transcript NM_002025.4 (MANE Select); coding-DNA position 1487, C replaced by T.
Protein change: p.Ser496Leu; replaces serine 496 with leucine.
Molecular consequence: missense variant.
Genome position (GRCh38, 1-based): chrX:148,953,669, C>T. VCF-style: chrX-148953669-C-T. GRCh37 (hg19) VCF-style: chrX-148035199-C-T.
Other names: c.1388C>T, p.Ser463Leu (NM_001169122.2); c.1457C>T, p.Ser486Leu (NM_001169123.2); c.1382C>T, p.Ser461Leu (NM_001169124.2); c.1370C>T, p.Ser457Leu (NM_001169125.2); c.410C>T, p.Ser137Leu (NM_001170628.1); c.1487C>T (NM_002025.3); short protein forms S137L, S457L, S461L, S463L, S486L, S496L.
Identifiers: ClinVar variation 1307965 (VCV001307965.3), dbSNP rs2071997289, ClinGen allele CA414512262.